The following is an entry in ClinVar:

ClinVar aggregate classification (germline): Uncertain significance (1 of 4 stars; one submission).

Allele frequency attached by ClinVar (database versions not stated): gnomAD 0.00001; TOPMed 0.00002; ExAC 0.00003; gnomAD exomes 0.00004; ESP Exome Variant Server 0.00015.
gnomAD v4.1: 54 of 1,614,140 alleles (0.0033%); highest among the groups gnomAD compares: Non-Finnish European, 0.0045%; no homozygotes.

Submission:

Labcorp Genetics (formerly Invitae), Labcorp
Classification: Uncertain significance. Last evaluated: 2024-08-04. Review status: criteria provided, single submitter. Criteria: Invitae Variant Classification Sherloc (09022015). Collection method: clinical testing. Allele origin: germline.
Comment: This sequence change replaces proline, which is neutral and non-polar, with leucine, which is neutral and non-polar, at codon 398 of the MCM4 protein (p.Pro398Leu). This variant is present in population databases (rs139256517, gnomAD 0.007%). This variant has not been reported in the literature in individuals affected with MCM4-related conditions. ClinVar contains an entry for this variant (Variation ID: 2163793). Advanced modeling of protein sequence and biophysical properties (such as structural, functional, and spatial information, amino acid conservation, physicochemical variation, residue mobility, and thermodynamic stability) performed at Invitae indicates that this missense variant is expected to disrupt MCM4 protein function with a positive predictive value of 80%. In summary, the available evidence is currently insufficient to determine the role of this variant in disease. Therefore, it has been classified as a Variant of Uncertain Significance.

NM_182746.3(MCM4):c.1193C>T (p.Pro398Leu)

Gene: MCM4 (minichromosome maintenance complex component 4; plus strand). Cytogenetic location: 8q11.21.
Variant type: single nucleotide variant.
Coding change: c.1193C>T on transcript NM_182746.3 (MANE Select); coding-DNA position 1193, C replaced by T.
Protein change: p.Pro398Leu; replaces proline 398 with leucine.
Molecular consequence: missense variant.
Genome position (GRCh38, 1-based): chr8:47,969,816, C>T. VCF-style: chr8-47969816-C-T. GRCh37 (hg19) VCF-style: chr8-48882376-C-T.
Other names: c.1193C>T, p.Pro398Leu (NM_005914.4); short protein forms P398L.
Identifiers: ClinVar variation 2163793 (VCV002163793.2), dbSNP rs139256517, ClinGen allele CA4742562.
Genomic context (GRCh38, chr8:47,969,816, plus strand): 5'-GATATGGGAAGGTAAAAGTGCATCTCCTGGTTGTGCCCTCAGGCATCTATCGAGCTGTGC[C>T]TATTCGAGTCAATCCAAGAGTGAGTAATGTGAAGTCTGTCTACAAAACCCACATTGATGT-3'
Protein context (NP_877423.1, residues 388-408): VNVTGIYRAV[Pro398Leu]IRVNPRVSNV